The following is an entry in ClinVar:

NM_001848.3(COL6A1):c.614C>T (p.Thr205Met)

Gene: COL6A1 (collagen type VI alpha 1 chain; plus strand). Cytogenetic location: 21q22.3.
Variant type: single nucleotide variant.
Coding change: c.614C>T on transcript NM_001848.3 (MANE Select); coding-DNA position 614, C replaced by T.
Protein change: p.Thr205Met; replaces threonine 205 with methionine.
Molecular consequence: missense variant.
Genome position (GRCh38, 1-based): chr21:45,986,969, C>T. VCF-style: chr21-45986969-C-T. GRCh37 (hg19) VCF-style: chr21-47406883-C-T.
Other names: short protein forms T205M.
Identifiers: ClinVar variation 449647 (VCV000449647.11), dbSNP rs1343618467, ClinGen allele CA410518471.

ClinVar aggregate classification (germline): Conflicting classifications of pathogenicity. Review status: criteria provided, conflicting classifications (1 of 4 stars). 3 submissions from 3 submitters: Uncertain significance (2); Benign (1). Last evaluated 2023-01-02.

Conditions:
Bethlem myopathy 1A. Also called: MYOPATHY, BENIGN CONGENITAL, WITH CONTRACTURES; Bethlem myopathy 1; Bethlem Muscular Dystrophy. Identifiers: Orphanet 610, MedGen CN029274, MONDO:0024530, OMIM 158810.

Allele frequency attached by ClinVar (database versions not stated): gnomAD 0.00001; TOPMed 0.00002.
gnomAD v4.1: 28 of 1,552,232 alleles (0.0018%); highest among the groups gnomAD compares: Non-Finnish European, 0.0023%; no homozygotes.

Submissions (3):

Revvity Omics, Revvity
Classification: Uncertain significance. Last evaluated: 2023-01-02. Review status: criteria provided, single submitter. Criteria: ACMG Guidelines, 2015. Collection method: clinical testing. Allele origin: germline.

Labcorp Genetics (formerly Invitae), Labcorp
Classification: Benign for Bethlem myopathy 1A. Last evaluated: 2022-08-16. Review status: criteria provided, single submitter. Criteria: Invitae Variant Classification Sherloc (09022015). Collection method: clinical testing. Allele origin: germline.

GeneDx
Classification: Uncertain significance. Last evaluated: 2020-04-24. Review status: criteria provided, single submitter. Criteria: GeneDx Variant Classification Process June 2021. Collection method: clinical testing. Allele origin: germline. Affected: yes.
Comment: In silico analysis supports that this missense variant has a deleterious effect on protein structure/function; This variant is associated with the following publications: (PMID: 29794579)